The following is an entry in ClinVar:

NM_032776.3(JMJD1C):c.6443A>G (p.Asp2148Gly)

Gene: JMJD1C (jumonji domain containing 1C; minus strand). Cytogenetic location: 10q21.3.
Variant type: single nucleotide variant.
Coding change: c.6443A>G on transcript NM_032776.3 (MANE Select); coding-DNA position 6443, A replaced by G.
Protein change: p.Asp2148Gly; replaces aspartic acid 2148 with glycine.
Molecular consequence: missense variant. On other transcripts: non-coding transcript variant (1).
Genome position (GRCh38, 1-based): chr10:63,189,295, T>C on the plus strand (A>G on the coding strand, the complement: JMJD1C is on the minus strand). VCF-style: chr10-63189295-T-C. GRCh37 (hg19) VCF-style: chr10-64949055-T-C.
Other names: c.5897A>G, p.Asp1966Gly (NM_001282948.2, NM_001318154.2); c.5579A>G, p.Asp1860Gly (NM_001318153.2); c.6329A>G, p.Asp2110Gly (NM_001322252.2); c.5786A>G, p.Asp1929Gly (NM_001322254.2, NM_001322258.2); short protein forms D2148G, D1860G, D1929G, D1966G, D2110G.
Identifiers: ClinVar variation 652732 (VCV000652732.10), dbSNP rs1229349383, ClinGen allele CA377023999.

ClinVar aggregate classification (germline): Uncertain significance (1 of 4 stars; one submission).

Conditions:
Early Myoclonic Encephalopathy. Identifiers: MedGen C0270855.

Allele frequency attached by ClinVar (database versions not stated): gnomAD 0.00003.

Submission:

Labcorp Genetics (formerly Invitae), Labcorp
Classification: Uncertain significance for Early Myoclonic Encephalopathy. Last evaluated: 2023-07-14. Review status: criteria provided, single submitter. Criteria: Invitae Variant Classification Sherloc (09022015). Collection method: clinical testing. Allele origin: germline.
Comment: In summary, the available evidence is currently insufficient to determine the role of this variant in disease. Therefore, it has been classified as a Variant of Uncertain Significance. Algorithms developed to predict the effect of sequence changes on RNA splicing suggest that this variant may create or strengthen a splice site. Advanced modeling of protein sequence and biophysical properties (such as structural, functional, and spatial information, amino acid conservation, physicochemical variation, residue mobility, and thermodynamic stability) performed at Invitae indicates that this missense variant is not expected to disrupt JMJD1C protein function. ClinVar contains an entry for this variant (Variation ID: 652732). This variant has not been reported in the literature in individuals affected with JMJD1C-related conditions. This variant is present in population databases (no rsID available, gnomAD 0.01%). This sequence change replaces aspartic acid, which is acidic and polar, with glycine, which is neutral and non-polar, at codon 2148 of the JMJD1C protein (p.Asp2148Gly).